The following is an entry in ClinVar:

NM_000245.4(MET):c.613T>C (p.Tyr205His)

Gene: MET (MET proto-oncogene, receptor tyrosine kinase; plus strand). Cytogenetic location: 7q31.2.
Variant type: single nucleotide variant.
Coding change: c.613T>C on transcript NM_000245.4 (MANE Select); coding-DNA position 613, T replaced by C.
Protein change: p.Tyr205His; replaces tyrosine 205 with histidine.
Molecular consequence: missense variant. On other transcripts: intron variant (1).
Genome position (GRCh38, 1-based): chr7:116,699,697, T>C. VCF-style: chr7-116699697-T-C. GRCh37 (hg19) VCF-style: chr7-116339751-T-C.
Other names: c.613T>C, p.Tyr205His (NM_001127500.3, NM_001324401.3); c.-91+27120T>C (NM_001324402.2); short protein forms Y205H.
Identifiers: ClinVar variation 3719577 (VCV003719577.2).

ClinVar aggregate classification (germline): Uncertain significance (1 of 4 stars; one submission).

Conditions:
Renal cell carcinoma. Identifiers: Orphanet 217071, MedGen C0007134, MeSH D002292, MONDO:0005086, HP:0005584.

Submission:

Labcorp Genetics (formerly Invitae), Labcorp
Classification: Uncertain significance for Renal cell carcinoma. Last evaluated: 2024-11-02. Review status: criteria provided, single submitter. Criteria: Invitae Variant Classification Sherloc (09022015). Collection method: clinical testing. Allele origin: germline.
Comment: This sequence change replaces tyrosine, which is neutral and polar, with histidine, which is basic and polar, at codon 205 of the MET protein (p.Tyr205His). This variant is not present in population databases (gnomAD no frequency). This variant has not been reported in the literature in individuals affected with MET-related conditions. Invitae Evidence Modeling of protein sequence and biophysical properties (such as structural, functional, and spatial information, amino acid conservation, physicochemical variation, residue mobility, and thermodynamic stability) indicates that this missense variant is not expected to disrupt MET protein function with a negative predictive value of 80%. In summary, the available evidence is currently insufficient to determine the role of this variant in disease. Therefore, it has been classified as a Variant of Uncertain Significance.